The following is an entry in ClinVar:

NM_004408.4(DNM1):c.811C>T (p.Arg271Cys)

Gene: DNM1 (dynamin 1; plus strand). Cytogenetic location: 9q34.11.
Variant type: single nucleotide variant.
Coding change: c.811C>T on transcript NM_004408.4 (MANE Select); coding-DNA position 811, C replaced by T.
Protein change: p.Arg271Cys; replaces arginine 271 with cysteine.
Molecular consequence: missense variant.
Genome position (GRCh38, 1-based): chr9:128,220,303, C>T. VCF-style: chr9-128220303-C-T. GRCh37 (hg19) VCF-style: chr9-130982582-C-T.
Other names: c.811C>T, p.Arg271Cys (NM_001005336.3, NM_001288737.2, NM_001288738.2 and 2 more transcripts); short protein forms R271C.
Identifiers: ClinVar variation 1009862 (VCV001009862.11), dbSNP rs1834865373, ClinGen allele CA375013511.

ClinVar aggregate classification (germline): Uncertain significance. Review status: criteria provided, multiple submitters, no conflicts (2 of 4 stars). 2 submissions from 2 submitters: Uncertain significance (2). Last evaluated 2020-03-10.

Conditions:
Inborn genetic diseases. Identifiers: MedGen C0950123, MeSH D030342.
Developmental and epileptic encephalopathy, 31A. Also called: Epileptic encephalopathy, early infantile, 31; Developmental and epileptic encephalopathy, 31. Identifiers: Orphanet 2382, MedGen C4225357, MONDO:0014598, OMIM 616346.

Allele frequency attached by ClinVar (database versions not stated): gnomAD exomes below 0.00001.
gnomAD v4.1: 2 of 1,614,170 alleles (0.00012%); highest among the groups gnomAD compares: Non-Finnish European, 0.000085%; no homozygotes.

Submissions (2):

Labcorp Genetics (formerly Invitae), Labcorp
Classification: Uncertain significance for Developmental and epileptic encephalopathy, 31A. Last evaluated: 2020-03-10. Review status: criteria provided, single submitter. Criteria: Invitae Variant Classification Sherloc (09022015). Collection method: clinical testing. Allele origin: germline.
Comment: This variant is not present in population databases (ExAC no frequency). This variant has not been reported in the literature in individuals with DNM1-related conditions. Algorithms developed to predict the effect of missense changes on protein structure and function (SIFT, PolyPhen-2, Align-GVGD) all suggest that this variant is likely to be disruptive, but these predictions have not been confirmed by published functional studies and their clinical significance is uncertain. In summary, the available evidence is currently insufficient to determine the role of this variant in disease. Therefore, it has been classified as a Variant of Uncertain Significance. This sequence change replaces arginine with cysteine at codon 271 of the DNM1 protein (p.Arg271Cys). The arginine residue is highly conserved and there is a large physicochemical difference between arginine and cysteine.

Ambry Genetics
Classification: Uncertain significance for Inborn genetic diseases. Last evaluated: 2018-07-25. Review status: criteria provided, single submitter. Criteria: Ambry Variant Classification Scheme 2023. Collection method: clinical testing. Allele origin: germline.
Comment: The p.R271C variant (also known as c.811C>T), located in coding exon 6 of the DNM1 gene, results from a C to T substitution at nucleotide position 811. The arginine at codon 271 is replaced by cysteine, an amino acid with highly dissimilar properties. This amino acid position is highly conserved in available vertebrate species. In addition, this alteration is predicted to be deleterious by in silico analysis. Since supporting evidence is limited at this time, the clinical significance of this alteration remains unclear.